The following is an entry in ClinVar:

NM_053025.4(MYLK):c.1271A>T (p.Glu424Val)

Gene: MYLK (myosin light chain kinase; minus strand). Cytogenetic location: 3q21.1.
Variant type: single nucleotide variant.
Coding change: c.1271A>T on transcript NM_053025.4 (MANE Select); coding-DNA position 1271, A replaced by T.
Protein change: p.Glu424Val; replaces glutamic acid 424 with valine.
Molecular consequence: missense variant.
Genome position (GRCh38, 1-based): chr3:123,733,725, T>A on the plus strand (A>T on the coding strand, the complement: MYLK is on the minus strand). VCF-style: chr3-123733725-T-A. GRCh37 (hg19) VCF-style: chr3-123452572-T-A.
Other names: c.743A>T, p.Glu248Val (NM_001321309.2); c.1271A>T, p.Glu424Val (NM_053026.4, NM_053027.4, NM_053028.4); short protein forms E424V, E248V.
Identifiers: ClinVar variation 241750 (VCV000241750.11), dbSNP rs779309547, ClinGen allele CA066872.
Genomic context (GRCh38, chr3:123,733,725, plus strand): 5'-GACCCTAATTACCTCTACTCACCTTCACATCTGAACTTGACAGTTTGATTTTCCTTGACC[T>A]CCTGGCTTTGGGGCTTGCTCTCAAATTTGGGGAATGCTGAATCCCTCTGGCCCTCCATGG-3'
Protein context (NP_444253.3, residues 414-434): PKFESKPQSQ[Glu424Val]VKENQTVKFR

ClinVar aggregate classification (germline): Uncertain significance. Review status: criteria provided, multiple submitters, no conflicts (2 of 4 stars). 3 submissions from 3 submitters: Uncertain significance (3). Last evaluated 2025-02-12.

Conditions:
MYLK-related disorder. Also called: MYLK-related condition.
Familial thoracic aortic aneurysm and aortic dissection (TAAD). Also called: Thoracic aortic aneurysms and dissections. Identifiers: Orphanet 91387, MedGen C4707243, MONDO:0019625.
Aortic aneurysm, familial thoracic 7 (AAT7). Also called: AORTIC DISSECTION, FAMILIAL, WITH OR WITHOUT AORTIC ANEURYSM. Identifiers: MedGen C3151077, MONDO:0013418, OMIM 613780.

Allele frequency attached by ClinVar (database versions not stated): gnomAD exomes below 0.00001 and 0.00001; ExAC 0.00001; gnomAD 0.00001.
gnomAD v4.1: 4 of 1,614,100 alleles (0.00025%); highest among the groups gnomAD compares: Admixed American, 0.0017%; no homozygotes.

Submissions (3):

Labcorp Genetics (formerly Invitae), Labcorp
Classification: Uncertain significance for Aortic aneurysm, familial thoracic 7. Last evaluated: 2025-02-12. Review status: criteria provided, single submitter. Criteria: Invitae Variant Classification Sherloc (09022015). Collection method: clinical testing. Allele origin: germline.
Comment: This sequence change replaces glutamic acid, which is acidic and polar, with valine, which is neutral and non-polar, at codon 424 of the MYLK protein (p.Glu424Val). This variant is present in population databases (rs779309547, gnomAD 0.003%). This variant has not been reported in the literature in individuals affected with MYLK-related conditions. ClinVar contains an entry for this variant (Variation ID: 241750). Invitae Evidence Modeling of protein sequence and biophysical properties (such as structural, functional, and spatial information, amino acid conservation, physicochemical variation, residue mobility, and thermodynamic stability) indicates that this missense variant is not expected to disrupt MYLK protein function with a negative predictive value of 95%. In summary, the available evidence is currently insufficient to determine the role of this variant in disease. Therefore, it has been classified as a Variant of Uncertain Significance.

PreventionGenetics, part of Exact Sciences
Classification: Uncertain significance for MYLK-related condition. Last evaluated: 2024-12-05. Review status: criteria provided, single submitter. Criteria: ACMG Guidelines, 2015. Collection method: clinical testing. Allele origin: germline.
Comment: The MYLK c.1271A>T variant is predicted to result in the amino acid substitution p.Glu424Val. To our knowledge, this variant has not been reported in the literature. This variant is reported in 0.0028% of alleles in individuals of Latino descent in gnomAD. At this time, the clinical significance of this variant is uncertain due to the absence of conclusive functional and genetic evidence.

Ambry Genetics
Classification: Uncertain significance for Familial thoracic aortic aneurysm and aortic dissection. Last evaluated: 2022-05-06. Review status: criteria provided, single submitter. Criteria: Ambry Variant Classification Scheme 2023. Collection method: clinical testing. Allele origin: germline.
Comment: The p.E424V variant (also known as c.1271A>T), located in coding exon 7 of the MYLK gene, results from an A to T substitution at nucleotide position 1271. The glutamic acid at codon 424 is replaced by valine, an amino acid with dissimilar properties, and is located in the Ig-like C2-type 3 domain. This amino acid position is well conserved in available vertebrate species. In addition, this alteration is predicted to be tolerated by in silico analysis. Since supporting evidence is limited at this time, the clinical significance of this alteration remains unclear.